The following is an entry in ClinVar:

NM_001257180.2(SLC20A2):c.260_261del (p.Leu87fs)

Gene: SLC20A2 (solute carrier family 20 member 2; minus strand). Cytogenetic location: 8p11.21.
Variant type: Microsatellite.
Coding change: c.260_261del on transcript NM_001257180.2 (MANE Select); coding-DNA positions 260 to 261, 2 bases deleted (TC; older notation c.260_261delTC).
Protein change: p.Leu87fs; shifts the reading frame from leucine 87.
Molecular consequence: frameshift variant.
Genome position (GRCh38, 1-based): chr8:42,472,130-42,472,131, GA deleted on the plus strand (TC on the coding strand, the reverse complement: SLC20A2 is on the minus strand); deleting any 2 consecutive bases within chr8:42,472,130-42,472,134 gives the same sequence; the c. name uses the placement nearest the transcript's 3' end. VCF-style (leftmost placement, unchanged base first): chr8-42472129-TGA-T. GRCh37 (hg19) VCF-style: chr8-42329647-TGA-T.
Other names: c.260_261del, p.Leu87fs (NM_001257181.2, NM_006749.5); short protein forms L87fs.
Identifiers: ClinVar variation 3344669 (VCV003344669.1).
Genomic context (GRCh38, chr8:42,472,129, plus strand): 5'-ATGTCCCATCGGTATAGAGAAGAGGCTACTCACCAACCATGGCACTAACTTCCCCAGCCA[TGA>T]GAGTCTCCACCGTCTCGTTGTACAGGTTCACGTCAATGATACCTTTGCGAATGGTTTCTC-3'

ClinVar aggregate classification (germline): Pathogenic (0 of 4 stars; one submission).

Conditions:
SLC20A2-related disorder. Also called: SLC20A2-related condition.

Submission:

PreventionGenetics, part of Exact Sciences
Classification: Pathogenic for SLC20A2-related condition. Last evaluated: 2024-07-30. Review status: no assertion criteria provided. Collection method: clinical testing. Allele origin: germline.
Comment: The SLC20A2 c.260_261delTC variant is predicted to result in a frameshift and premature protein termination (p.Leu87Hisfs*6). This variant was reported in an individual with idiopathic basal ganglia calcification (Case 7 in Yamada et al. 2014. PubMed ID: 24463626). This variant has not been reported in a large population database, indicating this variant is rare. Frameshift variants in SLC20A2 are expected to be pathogenic. This variant is interpreted as pathogenic.